The following is an entry in ClinVar:

NM_052947.4(ALPK2):c.5924A>G (p.Tyr1975Cys)

Gene: ALPK2 (alpha kinase 2; minus strand). Cytogenetic location: 18q21.31.
Variant type: single nucleotide variant.
Coding change: c.5924A>G on transcript NM_052947.4 (MANE Select); coding-DNA position 5924, A replaced by G.
Protein change: p.Tyr1975Cys; replaces tyrosine 1975 with cysteine.
Molecular consequence: missense variant.
Genome position (GRCh38, 1-based): chr18:58,516,924, T>C on the plus strand (A>G on the coding strand, the complement: ALPK2 is on the minus strand). VCF-style: chr18-58516924-T-C. GRCh37 (hg19) VCF-style: chr18-56184156-T-C.
Other names: short protein forms Y1975C.
Identifiers: ClinVar variation 3228825 (VCV003228825.1), dbSNP rs2518862610, ClinGen allele CA402547734.
Genomic context (GRCh38, chr18:58,516,924, plus strand): 5'-GGTTCTCACACCAGAAGTGACAGCCTTTGGGCAGATGGACCCACCTGGGCAGCGAGTTTG[T>C]AGTTCCTTTGGATGAGCTCATCATTATTTCTGGTCCCATAGGCAATGGCATTGTGCACCT-3'
Protein context (NP_443179.3, residues 1965-1985): RNNDELIQRN[Tyr1975Cys]KLAAQECYVQ

ClinVar aggregate classification (germline): Uncertain significance (1 of 4 stars; one submission).

Allele frequency attached by ClinVar (database versions not stated): gnomAD exomes below 0.00001.
gnomAD v4.1: 1 of 1,613,494 alleles (0.000062%); highest among the groups gnomAD compares: Non-Finnish European, 0.000085%; no homozygotes.

Submission:

Ambry Genetics
Classification: Uncertain significance. Last evaluated: 2023-12-14. Review status: criteria provided, single submitter. Criteria: Ambry Variant Classification Scheme 2023. Collection method: clinical testing. Allele origin: germline.
Comment: The p.Y1975C variant (also known as c.5924A>G), located in coding exon 8 of the ALPK2 gene, results from an A to G substitution at nucleotide position 5924. The tyrosine at codon 1975 is replaced by cysteine, an amino acid with highly dissimilar properties. This amino acid position is conserved. In addition, this alteration is predicted to be tolerated by in silico analysis. Since supporting evidence is limited at this time, the clinical significance of this alteration remains unclear.